The following is an entry in ClinVar:

NM_001018005.2(TPM1):c.773A>G (p.Asp258Gly)

Gene: TPM1 (tropomyosin 1; plus strand). Cytogenetic location: 15q22.2.
Variant type: single nucleotide variant.
Coding change: c.773A>G on transcript NM_001018005.2 (MANE Select); coding-DNA position 773, A replaced by G.
Protein change: p.Asp258Gly; replaces aspartic acid 258 with glycine.
Molecular consequence: missense variant. On other transcripts: intron variant (12).
Genome position (GRCh38, 1-based): chr15:63,064,064, A>G. VCF-style: chr15-63064064-A-G. GRCh37 (hg19) VCF-style: chr15-63356263-A-G.
Other names: c.773A>G, p.Asp258Gly (NM_000366.6, NM_001301244.2, NM_001365779.1 and 8 more transcripts); c.665A>G, p.Asp222Gly (NM_001330346.2, NM_001365781.2, NM_001365782.1 and 1 more transcripts); c.899A>G, p.Asp300Gly (NM_001407322.1, NM_001407323.1, NM_001407324.1); c.*1255A>G (NM_001407325.1, NM_001407340.1, NM_001407341.1); c.898+1419A>G (NM_001365778.1); c.772+1419A>G (NM_001018020.2, NM_001018007.2, NM_001018006.2 and 3 more transcripts); c.664+1419A>G (NM_001330351.2, NM_001330344.2, NM_001018008.2 and 2 more transcripts); short protein forms D222G, D258G, D300G.
Identifiers: ClinVar variation 1718219 (VCV001718219.5), dbSNP rs2542882227, ClinGen allele CA392725064.

ClinVar aggregate classification (germline): Uncertain significance (1 of 4 stars; one submission).

Conditions:
Hypertrophic cardiomyopathy. Also called: HYPERTROPHIC MYOCARDIOPATHY. Identifiers: Orphanet 217569, MedGen C0007194, MeSH D002312, MONDO:0005045, HP:0001639.

Submission:

Labcorp Genetics (formerly Invitae), Labcorp
Classification: Uncertain significance for Hypertrophic cardiomyopathy. Last evaluated: 2022-08-31. Review status: criteria provided, single submitter. Criteria: Invitae Variant Classification Sherloc (09022015). Collection method: clinical testing. Allele origin: germline.
Comment: This sequence change replaces aspartic acid, which is acidic and polar, with glycine, which is neutral and non-polar, at codon 258 of the TPM1 protein (p.Asp258Gly). In summary, the available evidence is currently insufficient to determine the role of this variant in disease. Therefore, it has been classified as a Variant of Uncertain Significance. Algorithms developed to predict the effect of missense changes on protein structure and function are either unavailable or do not agree on the potential impact of this missense change (SIFT: "Deleterious"; PolyPhen-2: "Benign"; Align-GVGD: "Class C0"). This variant has not been reported in the literature in individuals affected with TPM1-related conditions. This variant is not present in population databases (gnomAD no frequency).